The following is an entry in ClinVar:

NM_014874.4(MFN2):c.1442G>A (p.Arg481His)

Gene: MFN2 (mitofusin 2; plus strand). Cytogenetic location: 1p36.22.
Variant type: single nucleotide variant.
Coding change: c.1442G>A on transcript NM_014874.4 (MANE Select); coding-DNA position 1442, G replaced by A.
Protein change: p.Arg481His; replaces arginine 481 with histidine.
Molecular consequence: missense variant.
Genome position (GRCh38, 1-based): chr1:12,004,874, G>A. VCF-style: chr1-12004874-G-A. GRCh37 (hg19) VCF-style: chr1-12064931-G-A.
Other names: c.1442G>A, p.Arg481His (NM_001127660.2); short protein forms R481H.
Identifiers: ClinVar variation 245785 (VCV000245785.8), dbSNP rs767718891, ClinGen allele CA599122.

ClinVar aggregate classification (germline): Uncertain significance. Review status: criteria provided, multiple submitters, no conflicts (2 of 4 stars). 3 submissions from 3 submitters: Uncertain significance (3). Last evaluated 2022-11-28.

Conditions:
Charcot-Marie-Tooth disease type 2. Also called: Charcot-Marie-Tooth type 2. Identifiers: Orphanet 64746, MedGen C0270914, MONDO:0018993.

Allele frequency attached by ClinVar (database versions not stated): TOPMed below 0.00001; ExAC 0.00001; gnomAD 0.00001; gnomAD exomes 0.00001.
gnomAD v4.1: 8 of 1,613,600 alleles (0.0005%); highest among the groups gnomAD compares: South Asian, 0.0011%; no homozygotes.

Submissions (3):

Labcorp Genetics (formerly Invitae), Labcorp
Classification: Uncertain significance for Charcot-Marie-Tooth disease type 2. Last evaluated: 2022-11-28. Review status: criteria provided, single submitter. Criteria: Invitae Variant Classification Sherloc (09022015). Collection method: clinical testing. Allele origin: germline.
Comment: In summary, the available evidence is currently insufficient to determine the role of this variant in disease. Therefore, it has been classified as a Variant of Uncertain Significance. This sequence change replaces arginine, which is basic and polar, with histidine, which is basic and polar, at codon 481 of the MFN2 protein (p.Arg481His). This variant is present in population databases (rs767718891, gnomAD 0.002%). This variant has not been reported in the literature in individuals affected with MFN2-related conditions. ClinVar contains an entry for this variant (Variation ID: 245785). Advanced modeling of protein sequence and biophysical properties (such as structural, functional, and spatial information, amino acid conservation, physicochemical variation, residue mobility, and thermodynamic stability) performed at Invitae indicates that this missense variant is expected to disrupt MFN2 protein function.

Blueprint Genetics
Classification: Uncertain significance. Last evaluated: 2019-02-28. Review status: criteria provided, single submitter. Criteria: ACMG Guidelines, 2015. Collection method: clinical testing. Allele origin: germline.

GeneDx
Classification: Uncertain significance. Last evaluated: 2015-06-09. Review status: criteria provided, single submitter. Criteria: GeneDx Variant Classification (06012015). Collection method: clinical testing. Allele origin: germline. Affected: yes.
Comment: The R481H variant has not been published as pathogenic, nor has it been reported as a benign polymorphism to our knowledge. The R481H variant was not observed in approximately 6500 individuals of European and African American ancestry in the NHLBI Exome Sequencing Project, indicating it is not a common benign variant in these populations. The R481H variant is a conservative amino acid substitution, which is not likely to impact secondary protein structure as these residues share similar properties. This substitution occurs at a position that is conserved across species. In silico analysis predicts this variant is probably damaging to the protein structure/function. A missense variant in a nearby residue (A485T) have been reported in the Human Gene Mutation Database in association with hereditary motor and sensory neuropathy II (Stenson et al., 2014), supporting the functional importance of this region of the protein. Therefore, based on the currently available information, it is unclear whether this variant is a pathogenic or a rare benign variant.